The following is an entry in ClinVar:

ClinVar aggregate classification (germline): Likely benign. Review status: criteria provided, multiple submitters, no conflicts (2 of 4 stars). 3 submissions from 3 submitters: Likely benign (3). Last evaluated 2025-04-21.

Conditions:
FAT1-related disorder. Also called: FAT1-related condition.

Allele frequency attached by ClinVar (database versions not stated): gnomAD exomes 0.00013 and 0.00023; gnomAD 0.00015 and 0.00016; ESP Exome Variant Server 0.00016; 1000 Genomes Project 0.00020; TOPMed 0.00029; ExAC 0.00030; 1000 Genomes Project 30x 0.00031.
gnomAD v4.1: 219 of 1,614,006 alleles (0.014%); highest among the groups gnomAD compares: Admixed American, 0.058%; no homozygotes.

Submissions (3):

Labcorp Genetics (formerly Invitae), Labcorp
Classification: Likely benign. Last evaluated: 2025-04-21. Review status: criteria provided, single submitter. Criteria: Invitae Variant Classification Sherloc (09022015). Collection method: clinical testing. Allele origin: germline.

PreventionGenetics, part of Exact Sciences
Classification: Likely benign for FAT1-related condition. Last evaluated: 2024-10-28. Review status: criteria provided, single submitter. Criteria: ACMG Guidelines, 2015. Collection method: clinical testing. Allele origin: germline.
Comment: This variant is classified as likely benign based on ACMG/AMP sequence variant interpretation guidelines (Richards et al. 2015 PMID: 25741868, with internal and published modifications).

Blueprint Genetics
Classification: Likely benign. Last evaluated: 2024-10-03. Review status: criteria provided, single submitter. Criteria: ACMG Guidelines, 2015. Collection method: clinical testing. Allele origin: germline.

NM_005245.4(FAT1):c.6138G>A (p.Ala2046=)

Gene: FAT1 (FAT atypical cadherin 1; minus strand). Cytogenetic location: 4q35.2.
Variant type: single nucleotide variant.
Coding change: c.6138G>A on transcript NM_005245.4 (MANE Select); coding-DNA position 6138, G replaced by A.
Protein change: p.Ala2046=; no amino-acid change (alanine 2046 retained).
Molecular consequence: synonymous variant.
Genome position (GRCh38, 1-based): chr4:186,620,448, C>T on the plus strand (G>A on the coding strand, the complement: FAT1 is on the minus strand). VCF-style: chr4-186620448-C-T. GRCh37 (hg19) VCF-style: chr4-187541602-C-T.
Other names: c.6138G>A (NM_005245.3).
Identifiers: ClinVar variation 1569811 (VCV001569811.10), dbSNP rs34855146, ClinGen allele CA3166304.